The following is an entry in ClinVar:

ClinVar aggregate classification (germline): Uncertain significance (1 of 4 stars; one submission).

Submission:

GeneDx
Classification: Uncertain significance. Last evaluated: 2025-01-31. Review status: criteria provided, single submitter. Criteria: GeneDx Variant Classification Process June 2021. Collection method: clinical testing. Allele origin: germline. Affected: yes.
Comment: Not observed at significant frequency in large population cohorts (gnomAD); In silico analysis supports that this missense variant has a deleterious effect on protein structure/function; Has not been previously published as pathogenic or benign to our knowledge

NM_002471.4(MYH6):c.4561G>A (p.Gly1521Arg)

Gene: MYH6 (myosin heavy chain 6; minus strand). Cytogenetic location: 14q11.2.
Variant type: single nucleotide variant.
Coding change: c.4561G>A on transcript NM_002471.4 (MANE Select); coding-DNA position 4561, G replaced by A.
Protein change: p.Gly1521Arg; replaces glycine 1521 with arginine.
Molecular consequence: missense variant.
Genome position (GRCh38, 1-based): chr14:23,387,618, C>T on the plus strand (G>A on the coding strand, the complement: MYH6 is on the minus strand). VCF-style: chr14-23387618-C-T. GRCh37 (hg19) VCF-style: chr14-23856827-C-T.
Other names: short protein forms G1521R.
Identifiers: ClinVar variation 4072530 (VCV004072530.1).